The following is an entry in ClinVar:

NM_004281.4(BAG3):c.1148T>C (p.Val383Ala)

Gene: BAG3 (BAG cochaperone 3; plus strand). Cytogenetic location: 10q26.11.
Variant type: single nucleotide variant.
Coding change: c.1148T>C on transcript NM_004281.4 (MANE Select); coding-DNA position 1148, T replaced by C.
Protein change: p.Val383Ala; replaces valine 383 with alanine.
Molecular consequence: missense variant.
Genome position (GRCh38, 1-based): chr10:119,676,702, T>C. VCF-style: chr10-119676702-T-C. GRCh37 (hg19) VCF-style: chr10-121436214-T-C.
Other names: short protein forms V383A.
Identifiers: ClinVar variation 2945418 (VCV002945418.3), dbSNP rs1847240909, ClinGen allele CA378296724.

ClinVar aggregate classification (germline): Uncertain significance (1 of 4 stars; one submission).

Conditions:
Dilated cardiomyopathy 1HH (CMD1HH). Identifiers: Orphanet 154, MedGen C3151293, MONDO:0013479, OMIM 613881.
Myofibrillar myopathy 6. Identifiers: Orphanet 199340, MedGen C2751831, MONDO:0013061, OMIM 612954.

Allele frequency attached by ClinVar (database versions not stated): TOPMed below 0.00001.

Submission:

Labcorp Genetics (formerly Invitae), Labcorp
Classification: Uncertain significance for Dilated cardiomyopathy 1HH; Myofibrillar myopathy 6. Last evaluated: 2023-03-17. Review status: criteria provided, single submitter. Criteria: Invitae Variant Classification Sherloc (09022015). Collection method: clinical testing. Allele origin: germline.
Comment: This sequence change replaces valine, which is neutral and non-polar, with alanine, which is neutral and non-polar, at codon 383 of the BAG3 protein (p.Val383Ala). This variant is not present in population databases (gnomAD no frequency). This variant has not been reported in the literature in individuals affected with BAG3-related conditions. Advanced modeling of protein sequence and biophysical properties (such as structural, functional, and spatial information, amino acid conservation, physicochemical variation, residue mobility, and thermodynamic stability) performed at Invitae indicates that this missense variant is not expected to disrupt BAG3 protein function. In summary, the available evidence is currently insufficient to determine the role of this variant in disease. Therefore, it has been classified as a Variant of Uncertain Significance.